The following is an entry in ClinVar:

NM_022455.5(NSD1):c.2636_2637del (p.Ser879fs)

Gene: NSD1 (nuclear receptor binding SET domain protein 1; plus strand). Cytogenetic location: 5q35.3.
Variant type: Microsatellite.
Coding change: c.2636_2637del on transcript NM_022455.5 (MANE Select); coding-DNA positions 2636 to 2637, 2 bases deleted (CT; older notation c.2636_2637delCT).
Protein change: p.Ser879fs; shifts the reading frame from serine 879.
Molecular consequence: frameshift variant.
Genome position (GRCh38, 1-based): chr5:177,211,035-177,211,036, CT deleted; deleting any 2 consecutive bases within chr5:177,211,033-177,211,036 gives the same sequence; the c. name uses the placement nearest the transcript's 3' end. VCF-style (leftmost placement, unchanged base first): chr5-177211032-ACT-A. GRCh37 (hg19) VCF-style: chr5-176638033-ACT-A.
Other names: c.2636_2637delCT (NM_022455.4); c.1761_1762CT[1], p.Ser588Trpfs (NM_001365684.2, NM_001409306.1, NM_001409307.1 and 3 more transcripts); c.2634_2635CT[1], p.Ser879Trpfs (NM_001409301.1, NM_001409302.1, NM_001409303.1); c.2214_2215CT[1], p.Ser739Trpfs (NM_001409304.1); c.1881_1882CT[1], p.Ser628Trpfs (NM_001409305.1); short protein forms S879fs, S610fs.
Identifiers: ClinVar variation 450499 (VCV000450499.3), dbSNP rs1554189720, ClinGen allele CA658655914.

ClinVar aggregate classification (germline): Pathogenic. Review status: criteria provided, multiple submitters, no conflicts (2 of 4 stars). 2 submissions from 2 submitters: Pathogenic (2). Last evaluated 2017-07-12.

Conditions:
Neurodevelopmental delay. Identifiers: MedGen C4022738, HP:0012758.

Submissions (2):

GeneDx
Classification: Pathogenic. Last evaluated: 2017-07-12. Review status: criteria provided, single submitter. Criteria: GeneDx Variant Classification (06012015). Collection method: clinical testing. Allele origin: germline. Affected: yes.
Comment: The c.2636_2637delCT pathogenic variant in the NSD1 gene causes a frameshift starting with codon Serine 879, changes this amino acid to a Tryptophan residue and creates a premature Stop codon at position 16 of the new reading frame, denoted p.Ser879TrpfsX16. This pathogenic variant is predicted to cause loss of normal protein function either through protein truncation or nonsense-mediated mRNA decay. This variant is not observed in large population cohorts (Lek et al., 2016; 1000 Genomes Consortium et al., 2015; Exome Variant Server).

Centre de Biologie Pathologie Génétique, Centre Hospitalier Universitaire de Lille
Classification: Pathogenic for Neurodevelopmental delay. Review status: criteria provided, single submitter. Criteria: ACMG Guidelines, 2015. Collection method: clinical testing. Allele origin: de novo. Affected: yes.